The following is an entry in ClinVar:

ClinVar aggregate classification (germline): Pathogenic (1 of 4 stars; one submission).

Conditions:
Acute myeloid leukemia (AML). Also called: Acute myeloid leukemia, adult; AML adult; Acute non-lymphocytic leukemia; Acute granulocytic leukemia; Leukemia, acute myeloid, somatic; Leukemia, acute myelogenous, somatic. Identifiers: Orphanet 519, MedGen C0023467, MeSH D015470, MONDO:0018874, OMIM 601626, HP:0004808. Disease mechanism: Constitutively activated FLT3.
Hereditary thrombocytopenia and hematological cancer predisposition syndrome associated with RUNX1. Also called: PLATELET DISORDER, ASPIRIN-LIKE; Familial Platelet Disorder with Propensity to Acute Myelogenous Leukemia; Familial thrombocytopenia with propensity to acute myelogenous leukemia; RUNX1 Familial Platelet Disorder with Associated Myeloid Malignancies. Identifiers: Orphanet 71290, MedGen C1832388, MeSH C563324, MONDO:0100083, OMIM 601399.

Submission:

Juno Genomics, Hangzhou Juno Genomics, Inc
Classification: Pathogenic for Acute myeloid leukemia; Hereditary thrombocytopenia and hematological cancer predisposition syndrome associated with RUNX1. Review status: criteria provided, single submitter. Criteria: ACMG Guidelines, 2015. Collection method: clinical testing. Allele origin: germline.
Comment: Null variant in a gene where loss of function (LOF) is a known mechanism of disease.;Absent from controls (or at extremely low frequency if recessive) in Genome Aggregation Database.;The prevalence of the variant in affected individuals is significantly increased compared to the prevalence in controls.

NM_001754.5(RUNX1):c.637C>T (p.Gln213Ter)

Gene: RUNX1 (RUNX family transcription factor 1; minus strand). Cytogenetic location: 21q22.12.
Variant type: single nucleotide variant.
Coding change: c.637C>T on transcript NM_001754.5 (MANE Select); coding-DNA position 637, C replaced by T.
Protein change: p.Gln213Ter; replaces glutamine 213 with a stop codon.
Molecular consequence: nonsense.
Genome position (GRCh38, 1-based): chr21:34,834,578, G>A on the plus strand (C>T on the coding strand, the complement: RUNX1 is on the minus strand). VCF-style: chr21-34834578-G-A. GRCh37 (hg19) VCF-style: chr21-36206875-G-A.
Other names: c.556C>T, p.Gln186Ter (NM_001001890.3, NM_001122607.2); short protein forms Q186*, Q213*.
Identifiers: ClinVar variation 5006415 (VCV005006415.2).